The following is an entry in ClinVar:

NM_144643.4(SCLT1):c.7G>A (p.Ala3Thr)

Gene: SCLT1 (sodium channel and clathrin linker 1; minus strand). Cytogenetic location: 4q28.2.
Variant type: single nucleotide variant.
Coding change: c.7G>A on transcript NM_144643.4 (MANE Select); coding-DNA position 7, G replaced by A.
Protein change: p.Ala3Thr; replaces alanine 3 with threonine.
Molecular consequence: missense variant.
Genome position (GRCh38, 1-based): chr4:129,093,097, C>T on the plus strand (G>A on the coding strand, the complement: SCLT1 is on the minus strand). VCF-style: chr4-129093097-C-T. GRCh37 (hg19) VCF-style: chr4-130014252-C-T.
Other names: c.7G>A (NM_144643.2, NM_144643.3); c.7G>A, p.Ala3Thr (NM_001300897.2, NM_001300898.2); short protein forms A3T.
Identifiers: ClinVar variation 1503855 (VCV001503855.10), dbSNP rs1324626785, ClinGen allele CA358238029.

ClinVar aggregate classification (germline): Conflicting classifications of pathogenicity. Review status: criteria provided, conflicting classifications (1 of 4 stars). 3 submissions from 3 submitters: Uncertain significance (2); Likely benign (1). Last evaluated 2025-08-15.

Conditions:
SCLT1-related disorder. Also called: SCLT1-related condition.

Allele frequency attached by ClinVar (database versions not stated): TOPMed 0.00002; gnomAD 0.00003.
gnomAD v4.1: 30 of 1,613,184 alleles (0.0019%); highest among the groups gnomAD compares: Non-Finnish European, 0.0024%; no homozygotes.

Submissions (3):

PreventionGenetics, part of Exact Sciences
Classification: Uncertain significance for SCLT1-related condition. Last evaluated: 2025-08-15. Review status: criteria provided, single submitter. Criteria: ACMG Guidelines, 2015. Collection method: clinical testing. Allele origin: germline.
Comment: The SCLT1 c.7G>A variant is predicted to result in the amino acid substitution p.Ala3Thr. To our knowledge, this variant has not been reported in the literature. This variant is reported in 0.0065% of alleles in individuals of European (Non-Finnish) descent in gnomAD. At this time, the clinical significance of this variant is uncertain due to the absence of conclusive functional and genetic evidence.

Labcorp Genetics (formerly Invitae), Labcorp
Classification: Uncertain significance. Last evaluated: 2025-03-17. Review status: criteria provided, single submitter. Criteria: Invitae Variant Classification Sherloc (09022015). Collection method: clinical testing. Allele origin: germline.
Comment: This sequence change replaces alanine, which is neutral and non-polar, with threonine, which is neutral and polar, at codon 3 of the SCLT1 protein (p.Ala3Thr). This variant is present in population databases (no rsID available, gnomAD 0.007%). This variant has not been reported in the literature in individuals affected with SCLT1-related conditions. ClinVar contains an entry for this variant (Variation ID: 1503855). An algorithm developed to predict the effect of missense changes on protein structure and function outputs the following: PolyPhen-2: "Benign". The threonine amino acid residue is found in multiple mammalian species, which suggests that this missense change does not adversely affect protein function. In summary, the available evidence is currently insufficient to determine the role of this variant in disease. Therefore, it has been classified as a Variant of Uncertain Significance.

Ambry Genetics
Classification: Likely benign. Last evaluated: 2023-05-23. Review status: criteria provided, single submitter. Criteria: Ambry Variant Classification Scheme 2023. Collection method: clinical testing. Allele origin: germline.